The following is an entry in ClinVar:

ClinVar aggregate classification (germline): Uncertain significance (1 of 4 stars; one submission).

Conditions:
SERPINC1-related disorder. Also called: SERPINC1-related condition.

gnomAD v4.1: 2 of 1,614,162 alleles (0.00012%); highest among the groups gnomAD compares: Non-Finnish European, 0.000085%; no homozygotes.

Submission:

PreventionGenetics, part of Exact Sciences
Classification: Uncertain significance for SERPINC1-related condition. Last evaluated: 2026-05-30. Review status: criteria provided, single submitter. Criteria: ACMG Guidelines, 2015. Collection method: clinical testing. Allele origin: germline.
Comment: The SERPINC1 c.395A>G variant is predicted to result in the amino acid substitution p.Gln132Arg. To our knowledge, this variant has not been reported in the literature or in a large population database (gnomAD), indicating this variant is rare. At this time, the clinical significance of this variant is uncertain due to the absence of conclusive functional and genetic evidence.

NM_000488.4(SERPINC1):c.395A>G (p.Gln132Arg)

Gene: SERPINC1 (serpin family C member 1; minus strand). Cytogenetic location: 1q25.1.
Variant type: single nucleotide variant.
Coding change: c.395A>G on transcript NM_000488.4 (MANE Select); coding-DNA position 395, A replaced by G.
Protein change: p.Gln132Arg; replaces glutamine 132 with arginine.
Molecular consequence: missense variant.
Genome position (GRCh38, 1-based): chr1:173,914,566, T>C on the plus strand (A>G on the coding strand, the complement: SERPINC1 is on the minus strand). VCF-style: chr1-173914566-T-C. GRCh37 (hg19) VCF-style: chr1-173883704-T-C.
Other names: c.251A>G, p.Gln84Arg (NM_001365052.2); c.395A>G, p.Gln132Arg (NM_001386302.1, NM_001386304.1, NM_001386305.1 and 1 more transcripts); c.476A>G, p.Gln159Arg (NM_001386303.1); short protein forms Q84R, Q132R, Q159R.
Identifiers: ClinVar variation 4988759 (VCV004988759.1).